The following is an entry in ClinVar:

NM_130839.5(UBE3A):c.1335G>A (p.Glu445=)

Genes: SNHG14 (small nucleolar RNA host gene 14; plus strand), UBE3A (ubiquitin protein ligase E3A; minus strand). Cytogenetic location: 15q11.2.
Variant type: single nucleotide variant.
Coding change: c.1335G>A on transcript NM_130839.5 (MANE Select); coding-DNA position 1335, G replaced by A.
Protein change: p.Glu445=; no amino-acid change (glutamic acid 445 retained).
Molecular consequence: synonymous variant. On other transcripts: non-coding transcript variant (1), intron variant (2).
Genome position (GRCh38, 1-based): chr15:25,370,839, C>T on the plus strand (G>A on the coding strand, the complement: UBE3A is on the minus strand). VCF-style: chr15-25370839-C-T. GRCh37 (hg19) VCF-style: chr15-25615986-C-T.
Other names: c.1344G>A, p.Glu448= (NM_000462.5); c.1335G>A, p.Glu445= (NM_001354505.1, NM_001354538.2, NM_001354545.2); c.1275G>A, p.Glu425= (NM_001354506.2, NM_001354507.2, NM_001354508.2 and 17 more transcripts); c.1158G>A, p.Glu386= (NM_001354546.2); c.301+4626G>A (NM_001354551.2); c.361+4626G>A (NM_001354550.2).
Identifiers: ClinVar variation 514895 (VCV000514895.4), dbSNP rs1555400103, ClinGen allele CA489232469.
Genomic context (GRCh38, chr15:25,370,839, plus strand): 5'-TTTGAAAAAAGTATAATCTTTATCCATTTCTAGAACCTCATTCAGTGGTTCATTAATAAA[C>T]TCTTCAAAAGGGATAAGTGGTTTTCGACAATCCAGGGTTTTAACACCAAGTTCAGTTTCC-3'
Protein context (NP_570854.1, residues 435-455): DCRKPLIPFE[Glu445=]FINEPLNEVL

ClinVar aggregate classification (germline): Likely benign. Review status: criteria provided, multiple submitters, no conflicts (2 of 4 stars). 2 submissions from 2 submitters: Likely benign (2). Last evaluated 2023-04-17.

Conditions:
Angelman syndrome (AS). Also called: HAPPY PUPPET SYNDROME. Identifiers: Orphanet 72, MedGen C0162635, MONDO:0007113, OMIM 105830. Disease mechanism: loss of function. Inheritance: AS is caused by disruption of maternally imprinted UBE3A located within the 15q11.2-q13 Angelman syndrome/Prader-Willi syndrome (AS/PWS) region., imprinting disorder.

Submissions (2):

Labcorp Genetics (formerly Invitae), Labcorp
Classification: Likely benign for Angelman syndrome. Last evaluated: 2023-04-17. Review status: criteria provided, single submitter. Criteria: Invitae Variant Classification Sherloc (09022015). Collection method: clinical testing. Allele origin: germline.

GeneDx
Classification: Likely benign. Last evaluated: 2018-01-23. Review status: criteria provided, single submitter. Criteria: GeneDx Variant Classification (06012015). Collection method: clinical testing. Allele origin: germline. Affected: yes.
Comment: This variant is considered likely benign or benign based on one or more of the following criteria: it is a conservative change, it occurs at a poorly conserved position in the protein, it is predicted to be benign by multiple in silico algorithms, and/or has population frequency not consistent with disease.